The following is an entry in ClinVar:

ClinVar aggregate classification (germline): Uncertain significance (1 of 4 stars; one submission).

Allele frequency attached by ClinVar (database versions not stated): gnomAD 0.00001 and 0.00002; TOPMed 0.00001; ExAC 0.00002; gnomAD exomes 0.00002; 1000 Genomes Project 30x 0.00016; 1000 Genomes Project 0.00020.
gnomAD v4.1: 12 of 1,614,046 alleles (0.00074%); highest among the groups gnomAD compares: African/African-American, 0.0013%; no homozygotes.

Submission:

Labcorp Genetics (formerly Invitae), Labcorp
Classification: Uncertain significance. Last evaluated: 2021-05-19. Review status: criteria provided, single submitter. Criteria: Invitae Variant Classification Sherloc (09022015). Collection method: clinical testing. Allele origin: germline.
Comment: This variant has not been reported in the literature in individuals with KIAA1549-related conditions. This sequence change replaces isoleucine with valine at codon 1302 of the KIAA1549 protein (p.Ile1302Val). The isoleucine residue is highly conserved and there is a small physicochemical difference between isoleucine and valine. This variant is present in population databases (rs566560350, ExAC 0.01%). Algorithms developed to predict the effect of missense changes on protein structure and function output the following: SIFT: "Tolerated"; PolyPhen-2: "Benign"; Align-GVGD: "Class C0". The valine amino acid residue is found in multiple mammalian species, suggesting that this missense change does not adversely affect protein function. These predictions have not been confirmed by published functional studies and their clinical significance is uncertain. In summary, the available evidence is currently insufficient to determine the role of this variant in disease. Therefore, it has been classified as a Variant of Uncertain Significance.

NM_001164665.2(KIAA1549):c.3904A>G (p.Ile1302Val)

Gene: KIAA1549 (KIAA1549; minus strand). Cytogenetic location: 7q34.
Variant type: single nucleotide variant.
Coding change: c.3904A>G on transcript NM_001164665.2 (MANE Select); coding-DNA position 3904, A replaced by G.
Protein change: p.Ile1302Val; replaces isoleucine 1302 with valine.
Molecular consequence: missense variant.
Genome position (GRCh38, 1-based): chr7:138,894,470, T>C on the plus strand (A>G on the coding strand, the complement: KIAA1549 is on the minus strand). VCF-style: chr7-138894470-T-C. GRCh37 (hg19) VCF-style: chr7-138579216-T-C.
Other names: c.3904A>G, p.Ile1302Val (NM_020910.3); short protein forms I1302V.
Identifiers: ClinVar variation 1369568 (VCV001369568.7), dbSNP rs566560350, ClinGen allele CA4506069.